The following is an entry in ClinVar:

NM_032119.4(ADGRV1):c.5747C>T (p.Thr1916Ile)

Gene: ADGRV1 (adhesion G protein-coupled receptor V1; plus strand). Cytogenetic location: 5q14.3.
Variant type: single nucleotide variant.
Coding change: c.5747C>T on transcript NM_032119.4 (MANE Select); coding-DNA position 5747, C replaced by T.
Protein change: p.Thr1916Ile; replaces threonine 1916 with isoleucine.
Molecular consequence: missense variant. On other transcripts: non-coding transcript variant (1).
Genome position (GRCh38, 1-based): chr5:90,683,668, C>T. VCF-style: chr5-90683668-C-T. GRCh37 (hg19) VCF-style: chr5-89979485-C-T.
Other names: short protein forms T1916I.
Identifiers: ClinVar variation 158653 (VCV000158653.23), dbSNP rs35791889, ClinGen allele CA172276.
Genomic context (GRCh38, chr5:90,683,668, plus strand): 5'-TGTCTCCAGTGACTTTGCATTGGAACATAGACTCTGATCCTGATGGTGATCTCGCCTTCA[C>T]CTCTGGCAACATCACATTTGAGATTGGGCAGACGAGCGCCAATATCACTGTGGAGATATT-3'
Protein context (NP_115495.3, residues 1906-1926): DSDPDGDLAF[Thr1916Ile]SGNITFEIGQ

ClinVar aggregate classification (germline): Benign. Review status: criteria provided, multiple submitters, no conflicts (2 of 4 stars). 7 submissions from 7 submitters: Benign (6). 1 of the submissions does not count toward it. Last evaluated 2026-02-02.

Conditions:
Usher syndrome type 2C. Also called: USHER SYNDROME, TYPE IIC; Usher syndrome, type 2B. Identifiers: Orphanet 231178, Orphanet 886, MedGen C2931213, MONDO:0011558, OMIM 605472.

Allele frequency attached by ClinVar (database versions not stated): gnomAD exomes 0.00099 and 0.00274; ExAC 0.00348; gnomAD 0.01061 and 0.01134; TOPMed 0.01192; ESP Exome Variant Server 0.01249; 1000 Genomes Project 0.01318; 1000 Genomes Project 30x 0.01390.
gnomAD v4.1: 3,153 of 1,613,762 alleles (0.2%); highest among the groups gnomAD compares: African/African-American, 3.7%; 57 homozygotes.

Submissions (7):

Labcorp Genetics (formerly Invitae), Labcorp
Classification: Benign. Last evaluated: 2026-02-02. Review status: criteria provided, single submitter. Criteria: Invitae Variant Classification Sherloc (09022015). Collection method: clinical testing. Allele origin: germline.

Athena Diagnostics
Classification: Benign. Last evaluated: 2025-01-06. Review status: criteria provided, single submitter. Criteria: Athena Diagnostics Criteria. Collection method: clinical testing. Allele origin: unknown.
Comment: The frequency of this variant in the general population is higher than would generally be expected for pathogenic variants in this gene.

Illumina Laboratory Services, Illumina
Classification: Benign for Usher syndrome type 2C. Last evaluated: 2018-01-13. Review status: criteria provided, single submitter. Criteria: ICSL Variant Classification Criteria 13 December 2019. Collection method: clinical testing. Allele origin: germline.
Comment: This variant was observed in the ICSL laboratory as part of a predisposition screen in an ostensibly healthy population. It had not been previously curated by ICSL or reported in the Human Gene Mutation Database (HGMD: prior to June 1st, 2018), and was therefore a candidate for classification through an automated scoring system. Utilizing variant allele frequency, disease prevalence and penetrance estimates, and inheritance mode, an automated score was calculated to assess if this variant is too frequent to cause the disease. Based on the score and internal cut-off values, a variant classified as benign is not then subjected to further curation. The score for this variant resulted in a classification of benign for this disease.

GeneDx
Classification: Benign. Last evaluated: 2017-10-23. Review status: criteria provided, single submitter. Criteria: GeneDx Variant Classification (06012015). Collection method: clinical testing. Allele origin: germline. Affected: yes.
Comment: This variant is considered likely benign or benign based on one or more of the following criteria: it is a conservative change, it occurs at a poorly conserved position in the protein, it is predicted to be benign by multiple in silico algorithms, and/or has population frequency not consistent with disease.

Center for Pediatric Genomic Medicine, Children's Mercy Hospital and Clinics
Classification: Benign. Last evaluated: 2015-06-04. Review status: criteria provided, single submitter. Criteria: ACMG Guidelines, 2015. Collection method: clinical testing. Allele origin: germline.

Laboratory for Molecular Medicine, Mass General Brigham Personalized Medicine
Classification: Benign. Last evaluated: 2012-05-07. Review status: criteria provided, single submitter. Criteria: LMM Criteria. Collection method: clinical testing. Allele origin: germline. Observed: 12 variant alleles.
Comment: Thr1916Ile in Exon 28 of GPR98: This variant is not expected to have clinical si gnificance because it has been identified in 3.7% (120/3216) of African American chromosomes from a broad population by the NHLBI Exome Sequencing Project (dbSNP rs35791889).

Genetic Services Laboratory, University of Chicago
Classification: Likely benign. Review status: no assertion criteria provided. Collection method: clinical testing. Allele origin: germline. Inheritance: Autosomal dominant inheritance. Not counted in ClinVar's aggregate classification.
Comment: Likely benign based on allele frequency in 1000 Genomes Project or ESP global frequency and its presence in a patient with a rare or unrelated disease phenotype. NOT Sanger confirmed

Literature cited by the submitters: PubMed 27898983 (cited by Athena Diagnostics).